The following is an entry in ClinVar:

GRCh38/hg38 13q33.2-34(chr13:106043720-110366226)x1

Genes: ABHD13 (abhydrolase domain containing 13; plus strand), ARGLU1 (arginine and glutamate rich 1; minus strand), ARGLU1-DT (ARGLU1 divergent transcript; plus strand), COL4A1 (collagen type IV alpha 1 chain; minus strand), COL4A2 (collagen type IV alpha 2 chain; plus strand) and 87 more. Cytogenetic location: 13q33.2-34.
Variant type: copy number loss.
Change: copy number 1 (one copy instead of two) of chr13:106,043,720-110,366,226 (4.32 Mb, GRCh38 coordinates, 1-based), cytogenetic band 13q33.2-34.
Identifiers: ClinVar variation 57712 (VCV000057712.1).

ClinVar aggregate classification (germline): Pathogenic (1 of 4 stars; one submission).

Submission:

ISCA site 17
Classification: Pathogenic. Last evaluated: 2011-08-12. Review status: criteria provided, single submitter. Criteria: Kaminsky et al. (Genet Med. 2011). Collection method: clinical testing. Allele origin: unknown. Affected: yes. Observed: 1 variant allele.
Comment: Copy number variation identified through the course of routine clinical cytogenomic testing in postnatal populations. Clinical assertions have been curated as described in Kaminsky et al. 2011.